The following is an entry in ClinVar:

NM_003742.4(ABCB11):c.2629G>C (p.Gly877Arg)

Genes: ABCB11 (ATP binding cassette subfamily B member 11; minus strand), LOC126806400 (CDK7 strongly-dependent group 2 enhancer GRCh37_chr2:169791870-169793069; plus strand). Cytogenetic location: 2q31.1.
Variant type: single nucleotide variant.
Coding change: c.2629G>C on transcript NM_003742.4 (MANE Select); coding-DNA position 2629, G replaced by C.
Protein change: p.Gly877Arg; replaces glycine 877 with arginine.
Molecular consequence: missense variant.
Genome position (GRCh38, 1-based): chr2:168,936,415, C>G on the plus strand (G>C on the coding strand, the complement: ABCB11 is on the minus strand). VCF-style: chr2-168936415-C-G. GRCh37 (hg19) VCF-style: chr2-169792925-C-G.
Other names: short protein forms G877R.
Identifiers: ClinVar variation 1705656 (VCV001705656.1), dbSNP rs745557569, ClinGen allele CA349124947.

ClinVar aggregate classification (germline): Uncertain significance (1 of 4 stars; one submission).

Conditions:
Progressive familial intrahepatic cholestasis type 2. Identifiers: Orphanet 79304, MedGen C3489789, MONDO:0011156, OMIM 601847.

Submission:

3billion
Classification: Uncertain significance for Progressive familial intrahepatic cholestasis type 2. Last evaluated: 2022-09-01. Review status: criteria provided, single submitter. Criteria: ACMG Guidelines, 2015. Collection method: clinical testing. Allele origin: germline. Affected: yes. Observed: 1 homozygote.
Comment: The variant is not observed in the gnomAD v2.1.1 dataset. In silico tool predictions suggest damaging effect of the variant on gene or gene product (REVEL: 0.94). Different nucleotide change resulting in same amino acid change has been previously reported to be associated with ABCB11-related disorder (PMID: 20414253). However, the evidence of pathogenicity is insufficient at this time. Therefore, this variant is classified as uncertain significance according to the recommendation of ACMG/AMP guideline.

Literature cited by the submitters: PubMed 20414253.